The following is an entry in ClinVar:

ClinVar aggregate classification (germline): Uncertain significance. Review status: criteria provided, multiple submitters, no conflicts (2 of 4 stars). 2 submissions from 2 submitters: Uncertain significance (2). Last evaluated 2025-09-12.

Conditions:
Aortic aneurysm, familial thoracic 7 (AAT7). Also called: AORTIC DISSECTION, FAMILIAL, WITH OR WITHOUT AORTIC ANEURYSM. Identifiers: MedGen C3151077, MONDO:0013418, OMIM 613780.
Familial thoracic aortic aneurysm and aortic dissection (TAAD). Also called: Thoracic aortic aneurysms and dissections. Identifiers: Orphanet 91387, MedGen C4707243, MONDO:0019625.

Allele frequency attached by ClinVar (database versions not stated): ExAC 0.00001; gnomAD exomes 0.00003; TOPMed 0.00021; gnomAD 0.00035.

Submissions (2):

Ambry Genetics
Classification: Uncertain significance for Familial thoracic aortic aneurysm and aortic dissection. Last evaluated: 2025-09-12. Review status: criteria provided, single submitter. Criteria: Ambry Variant Classification Scheme 2023. Collection method: clinical testing. Allele origin: germline.
Comment: The p.L1115V variant (also known as c.3343C>G), located in coding exon 15 of the MYLK gene, results from a C to G substitution at nucleotide position 3343. The leucine at codon 1115 is replaced by valine, an amino acid with highly similar properties. This amino acid position is conserved. In addition, this alteration is predicted to be tolerated by in silico analysis. Since supporting evidence is limited at this time, the clinical significance of this alteration remains unclear.

Labcorp Genetics (formerly Invitae), Labcorp
Classification: Uncertain significance for Aortic aneurysm, familial thoracic 7. Last evaluated: 2025-09-03. Review status: criteria provided, single submitter. Criteria: Invitae Variant Classification Sherloc (09022015). Collection method: clinical testing. Allele origin: germline.
Comment: This sequence change replaces leucine, which is neutral and non-polar, with valine, which is neutral and non-polar, at codon 1115 of the MYLK protein (p.Leu1115Val). The frequency data for this variant in the population databases is considered unreliable, as metrics indicate poor data quality at this position in the gnomAD database. This variant has not been reported in the literature in individuals affected with MYLK-related conditions. ClinVar contains an entry for this variant (Variation ID: 2447214). Invitae Evidence Modeling of protein sequence and biophysical properties (such as structural, functional, and spatial information, amino acid conservation, physicochemical variation, residue mobility, and thermodynamic stability) has been performed for this missense variant. However, the output from this modeling did not meet the statistical confidence thresholds required to predict the impact of this variant on MYLK protein function. In summary, the available evidence is currently insufficient to determine the role of this variant in disease. Therefore, it has been classified as a Variant of Uncertain Significance.

NM_053025.4(MYLK):c.3343C>G (p.Leu1115Val)

Gene: MYLK (myosin light chain kinase; minus strand). Cytogenetic location: 3q21.1.
Variant type: single nucleotide variant.
Coding change: c.3343C>G on transcript NM_053025.4 (MANE Select); coding-DNA position 3343, C replaced by G.
Protein change: p.Leu1115Val; replaces leucine 1115 with valine.
Molecular consequence: missense variant.
Genome position (GRCh38, 1-based): chr3:123,700,125, G>C on the plus strand (C>G on the coding strand, the complement: MYLK is on the minus strand). VCF-style: chr3-123700125-G-C. GRCh37 (hg19) VCF-style: chr3-123418972-G-C.
Other names: c.2815C>G, p.Leu939Val (NM_001321309.2); c.3136C>G, p.Leu1046Val (NM_053026.4, NM_053028.4); c.3343C>G, p.Leu1115Val (NM_053027.4); short protein forms L1115V, L1046V, L939V.
Identifiers: ClinVar variation 2447214 (VCV002447214.5), dbSNP rs760693181, ClinGen allele CA069577.
Genomic context (GRCh38, chr3:123,700,125, plus strand): 5'-CGTTCAGCGTCCAGATGATGGTGGCTGGGGGGTCAGAAGACACCTGGCACTGGAGCAGCA[G>C]CTTCTTGCCCTCTGCCACATGAACATCTTGCAGCTTCTGCTTGAAGGCTGGGGCTGTCCC-3'
Protein context (NP_444253.3, residues 1105-1125): QDVHVAEGKK[Leu1115Val]LLQCQVSSDP